The following is an entry in ClinVar:

ClinVar aggregate classification (germline): Likely pathogenic (1 of 4 stars; one submission).

Conditions:
Early-infantile DEE. Also called: Ohtahara syndrome; Early infantile epileptic encephalopathy; Early infantile epileptic encephalopathy with suppression bursts. Identifiers: Orphanet 1934, MedGen C0393706, MONDO:0800491.

Allele frequency attached by ClinVar (database versions not stated): gnomAD 0.00001.
gnomAD v4.1: 1 of 1,613,780 alleles (0.000062%); highest among the groups gnomAD compares: East Asian, 0.0022%; no homozygotes.

Submission:

Labcorp Genetics (formerly Invitae), Labcorp
Classification: Likely pathogenic for Early-infantile DEE. Last evaluated: 2023-09-30. Review status: criteria provided, single submitter. Criteria: Invitae Variant Classification Sherloc (09022015). Collection method: clinical testing. Allele origin: germline.
Comment: This sequence change affects a donor splice site in intron 5 of the GNAO1 gene. It is expected to disrupt RNA splicing. Variants that disrupt the donor or acceptor splice site typically lead to a loss of protein function (PMID: 16199547), and loss-of-function variants in GNAO1 are known to be pathogenic (PMID: 28747448). This variant is not present in population databases (gnomAD no frequency). This variant has not been reported in the literature in individuals affected with GNAO1-related conditions. Algorithms developed to predict the effect of sequence changes on RNA splicing suggest that this variant may disrupt the consensus splice site. In summary, the currently available evidence indicates that the variant is pathogenic, but additional data are needed to prove that conclusively. Therefore, this variant has been classified as Likely Pathogenic.

Literature cited by the submitters: PubMed 16199547; PubMed 28747448.

NM_020988.3(GNAO1):c.593+1G>A

Gene: GNAO1 (G protein subunit alpha o1; plus strand). Cytogenetic location: 16q13.
Variant type: single nucleotide variant.
Coding change: c.593+1G>A on transcript NM_020988.3 (MANE Select); the canonical splice donor site of the intron after coding-DNA position 593, G replaced by A.
Molecular consequence: splice donor variant.
Genome position (GRCh38, 1-based): chr16:56,334,858, G>A. VCF-style: chr16-56334858-G-A. GRCh37 (hg19) VCF-style: chr16-56368770-G-A.
Other names: c.593+1G>A (NM_138736.3).
Identifiers: ClinVar variation 2764519 (VCV002764519.3), dbSNP rs2506872240, ClinGen allele CA395951819.
Genomic context (GRCh38, chr16:56,334,858, plus strand): 5'-CAGGGTCAAAACCACTGGCATCGTAGAAACCCACTTCACATTCAAGAACCTCCACTTCAG[G>A]TGAGGCCCAGAGAGGCCCCCAGGCCCTGGCGAGGGCTAAGATGGGACATGCCCAGCCTCT-3'